The following is an entry in ClinVar:

ClinVar aggregate classification (germline): Pathogenic (1 of 4 stars; one submission).

Conditions:
Propionic acidemia (PROP). Also called: GLYCINEMIA, KETOTIC; HYPERGLYCINEMIA WITH KETOACIDOSIS AND LEUKOPENIA; KETOTIC HYPERGLYCINEMIA. Identifiers: Orphanet 35, MedGen C0268579, MONDO:0011628, OMIM 606054, HP:0003571.

Submission:

Labcorp Genetics (formerly Invitae), Labcorp
Classification: Pathogenic for Propionic acidemia. Last evaluated: 2024-06-22. Review status: criteria provided, single submitter. Criteria: Invitae Variant Classification Sherloc (09022015). Collection method: clinical testing. Allele origin: germline.
Comment: This sequence change creates a premature translational stop signal (p.Phe409Trpfs*31) in the PCCA gene. It is expected to result in an absent or disrupted protein product. Loss-of-function variants in PCCA are known to be pathogenic (PMID: 15464417). This variant is present in population databases (no rsID available, gnomAD 0.01%). This variant has not been reported in the literature in individuals affected with PCCA-related conditions. ClinVar contains an entry for this variant (Variation ID: 2052484). For these reasons, this variant has been classified as Pathogenic.

Literature cited by the submitters: PubMed 15464417.

NM_000282.4(PCCA):c.1226_1227del (p.Phe409fs)

Gene: PCCA (propionyl-CoA carboxylase subunit alpha; plus strand). Cytogenetic location: 13q32.3.
Variant type: Deletion.
Coding change: c.1226_1227del on transcript NM_000282.4 (MANE Select); coding-DNA positions 1226 to 1227, 2 bases deleted (TT; older notation c.1226_1227delTT).
Protein change: p.Phe409fs; shifts the reading frame from phenylalanine 409.
Molecular consequence: frameshift variant. On other transcripts: non-coding transcript variant (5).
Genome position (GRCh38, 1-based): chr13:100,302,940-100,302,941, TT deleted; deleting any 2 consecutive bases within chr13:100,302,938-100,302,941 gives the same sequence; the c. name uses the placement nearest the transcript's 3' end. VCF-style (leftmost placement, unchanged base first): chr13-100302937-CTT-C. GRCh37 (hg19) VCF-style: chr13-100955191-CTT-C.
Other names: c.1148_1149del, p.Phe383fs (NM_001127692.3, NM_001352607.2); c.1226_1227del, p.Phe409fs (NM_001178004.2, NM_001352605.2, NM_001352609.2); c.1082_1083del, p.Phe361fs (NM_001352606.2); c.1004_1005del, p.Phe335fs (NM_001352608.2); c.281_282del, p.Phe94fs (NM_001352610.2, NM_001352611.2); c.137_138del, p.Phe46fs (NM_001352612.2); short protein forms F383fs, F94fs, F335fs, F361fs, F409fs, F46fs.
Identifiers: ClinVar variation 2052484 (VCV002052484.4), dbSNP rs1329527659, ClinGen allele CA484746440.